The following is an entry in ClinVar:

NM_005912.3(MC4R):c.227A>G (p.His76Arg)

Gene: MC4R (melanocortin 4 receptor; minus strand). Cytogenetic location: 18q21.32.
Variant type: single nucleotide variant.
Coding change: c.227A>G on transcript NM_005912.3 (MANE Select); coding-DNA position 227, A replaced by G.
Protein change: p.His76Arg; replaces histidine 76 with arginine.
Molecular consequence: missense variant.
Genome position (GRCh38, 1-based): chr18:60,372,123, T>C on the plus strand (A>G on the coding strand, the complement: MC4R is on the minus strand). VCF-style: chr18-60372123-T-C. GRCh37 (hg19) VCF-style: chr18-58039356-T-C.
Other names: c.227A>G (NM_005912.2); short protein forms H76R.
Identifiers: ClinVar variation 2078431 (VCV002078431.12), dbSNP rs199558727, ClinGen allele CA8980958.
Genomic context (GRCh38, chr18:60,372,123, plus strand): 5'-GAAACGCTCACCAGCATATCAGCCACAGCCAAGCTGCAGATGAAAAAGTACATGGGTGAA[T>C]GCAGATTCTTGTTCTTGGCTATTGCCACAATCACTAAGATATTCTCCAACAAGCTGATGA-3'
Protein context (NP_005903.2, residues 66-86): IVAIAKNKNL[His76Arg]SPMYFFICSL

ClinVar aggregate classification (germline): Uncertain significance. Review status: criteria provided, multiple submitters, no conflicts (2 of 4 stars). 5 submissions from 5 submitters: Uncertain significance (5). Last evaluated 2026-04-19.

Conditions:
BODY MASS INDEX QUANTITATIVE TRAIT LOCUS 20 (BMIQ20). Also called: MELANOCORTIN 4 RECEPTOR DEFICIENCY; MC4R DEFICIENCY. Identifiers: MedGen C4759928, OMIM 618406.
Early onset severe obesity. Identifiers: MedGen C4013980.
MC4R-related disorder. Also called: MC4R-related condition.

Allele frequency attached by ClinVar (database versions not stated): ExAC 0.00001; gnomAD exomes 0.00005; gnomAD 0.00007; TOPMed 0.00013; 1000 Genomes Project 0.00020; 1000 Genomes Project 30x 0.00031.
gnomAD v4.1: 86 of 1,614,254 alleles (0.0053%); highest among the groups gnomAD compares: Admixed American, 0.017%; no homozygotes.

Submissions (5):

PreventionGenetics, part of Exact Sciences
Classification: Uncertain significance for MC4R-related condition. Last evaluated: 2026-04-19. Review status: criteria provided, single submitter. Criteria: ACMG Guidelines, 2015. Collection method: clinical testing. Allele origin: germline.
Comment: The MC4R c.227A>G variant is predicted to result in the amino acid substitution p.His76Arg. This variant has been reported in patients with an obesity phenotype (see for example, Stutzmann et al. 2008. PubMed ID: 18559663; Albuquerque et al. 2014. PubMed ID: 24611737). One functional study reported no difference in protein activity when compared to wild type (Stutzmann et al. 2008. PubMed ID: 18559663), while others reported an impact on MC4R cell surface expression and basal signaling (Table 3, Wang and Tao. 2011. PubMed ID: 21729752; Lotta et al. 2019. PubMed ID: 31002796). The His76Arg substitution has also been found to exhibit reduced responsiveness to food intake-regulating hormones (Gillyard et al. 2019. PubMed ID: 31529534). This variant is reported in 0.0080% of alleles in individuals of African descent in gnomAD. Although we suspect this variant may be pathogenic, at this time, the clinical significance is uncertain due to the absence of conclusive functional and genetic evidence.

Labcorp Genetics (formerly Invitae), Labcorp
Classification: Uncertain significance. Last evaluated: 2025-07-02. Review status: criteria provided, single submitter. Criteria: Invitae Variant Classification Sherloc (09022015). Collection method: clinical testing. Allele origin: germline.
Comment: This sequence change replaces histidine, which is basic and polar, with arginine, which is basic and polar, at codon 76 of the MC4R protein (p.His76Arg). This variant is present in population databases (rs199558727, gnomAD 0.008%). This missense change has been observed in individual(s) with obesity (PMID: 24611737, 24705671, 30926952, 35562395). ClinVar contains an entry for this variant (Variation ID: 2078431). Invitae Evidence Modeling of protein sequence and biophysical properties (such as structural, functional, and spatial information, amino acid conservation, physicochemical variation, residue mobility, and thermodynamic stability) has been performed for this missense variant. However, the output from this modeling did not meet the statistical confidence thresholds required to predict the impact of this variant on MC4R protein function. Experimental studies are conflicting or provide insufficient evidence to determine the effect of this variant on MC4R function (PMID: 18559663, 21729752, 23791567, 31002796, 33761344). In summary, the available evidence is currently insufficient to determine the role of this variant in disease. Therefore, it has been classified as a Variant of Uncertain Significance.

Cambridge Genomics Laboratory, East Genomic Laboratory Hub, NHS Genomic Medicine Service
Classification: Uncertain significance for Severe early-onset obesity. Last evaluated: 2024-12-11. Review status: criteria provided, single submitter. Criteria: ACGS Best Practice Guidelines for Variant Classification in Rare Disease 2020. Collection method: clinical testing. Allele origin: germline. Affected: yes.
Comment: PS3_Supporting,PS4_Supporting,PM2,PP3

Blueprint Genetics
Classification: Uncertain significance. Last evaluated: 2024-11-05. Review status: criteria provided, single submitter. Criteria: ACMG Guidelines, 2015. Collection method: clinical testing. Allele origin: germline.

Women's Health and Genetics/Laboratory Corporation of America, LabCorp
Classification: Uncertain significance. Last evaluated: 2024-03-18. Review status: criteria provided, single submitter. Criteria: LabCorp Variant Classification Summary - May 2015. Collection method: clinical testing. Allele origin: germline.
Comment: Variant summary: MC4R c.227A>G (p.His76Arg) results in a non-conservative amino acid change located in the GPCR, rhodopsin-like, 7TM domain (IPR017452) of the encoded protein sequence. Four of five in-silico tools predict a damaging effect of the variant on protein function. The variant allele was found at a frequency of 2e-05 in 251406 control chromosomes. c.227A>G has been reported in the literature in individuals affected with Obesity and it did not always segregate with disease (example, Stutzmann_2008, Albuquerque_2014, Berouwers_2021). These report(s) do not provide unequivocal conclusions about association of the variant with Obesity. Several publications report experimental evidence evaluating an impact on protein function. The most pronounced variant effect results in 30%-50% of WT expression and reduced beta-arrestin recruitment at about 20-30% of WT (Berouwers_2021, Lotta_2019), however, this variant had no effect on the cAMP response (Stutzmann_2008). The following publications have been ascertained in the context of this evaluation (PMID: 24611737, 33761344, 31002796, 18559663). ClinVar contains an entry for this variant (Variation ID: 2078431). Based on the evidence outlined above, the variant was classified as VUS.

Literature cited by the submitters: PubMed 24611737 (cited by Labcorp Genetics (formerly Invitae), Labcorp and Women's Health and Genetics/Laboratory Corporation of America, LabCorp); PubMed 24705671 (cited by Labcorp Genetics (formerly Invitae), Labcorp); PubMed 30926952 (cited by Labcorp Genetics (formerly Invitae), Labcorp); PubMed 35562395 (cited by Labcorp Genetics (formerly Invitae), Labcorp); PubMed 18559663 (cited by Labcorp Genetics (formerly Invitae), Labcorp and Women's Health and Genetics/Laboratory Corporation of America, LabCorp); PubMed 21729752 (cited by Labcorp Genetics (formerly Invitae), Labcorp); PubMed 23791567 (cited by Labcorp Genetics (formerly Invitae), Labcorp); PubMed 31002796 (cited by Labcorp Genetics (formerly Invitae), Labcorp and Women's Health and Genetics/Laboratory Corporation of America, LabCorp); PubMed 33761344 (cited by Labcorp Genetics (formerly Invitae), Labcorp and Women's Health and Genetics/Laboratory Corporation of America, LabCorp).